The following is an entry in ClinVar:

ClinVar aggregate classification (germline): Uncertain significance. Review status: criteria provided, multiple submitters, no conflicts (2 of 4 stars). 3 submissions from 3 submitters: Uncertain significance (2). 1 of the submissions does not count toward it. Last evaluated 2018-08-14.

Conditions:
EAST syndrome (SESAMES). Also called: SEIZURES, SENSORINEURAL DEAFNESS, ATAXIA, IMPAIRED INTELLECTUAL DEVELOPMENT, AND ELECTROLYTE IMBALANCE. Identifiers: Orphanet 199343, MedGen C2748572, MONDO:0013005, OMIM 612780.

Allele frequency attached by ClinVar (database versions not stated): ExAC 0.00010; TOPMed 0.00001; gnomAD exomes 0.00002 and 0.00005; ESP Exome Variant Server 0.00008.
gnomAD v4.1: 12 of 1,572,518 alleles (0.00076%); highest among the groups gnomAD compares: Non-Finnish European, 0.00095%; no homozygotes.

Submissions (3):

Labcorp Genetics (formerly Invitae), Labcorp
Classification: Uncertain significance for EAST syndrome. Last evaluated: 2018-08-14. Review status: criteria provided, single submitter. Criteria: Invitae Variant Classification Sherloc (09022015). Collection method: clinical testing. Allele origin: germline.
Comment: This sequence change replaces arginine with histidine at codon 134 of the KCNJ10 protein (p.Arg134His). The arginine residue is highly conserved and there is a small physicochemical difference between arginine and histidine. This variant is present in population databases (rs368857205, ExAC 0.02%). This variant has not been reported in the literature in individuals with KCNJ10-related disease. ClinVar contains an entry for this variant (Variation ID: 391946). Algorithms developed to predict the effect of missense changes on protein structure and function are either unavailable or do not agree on the potential impact of this missense change (SIFT: "Deleterious"; PolyPhen-2: "Probably Damaging"; Align-GVGD: "Class C0"). In summary, the available evidence is currently insufficient to determine the role of this variant in disease. Therefore, it has been classified as a Variant of Uncertain Significance.

GeneDx
Classification: Uncertain significance. Last evaluated: 2016-12-30. Review status: criteria provided, single submitter. Criteria: GeneDx Variant Classification (06012015). Collection method: clinical testing. Allele origin: germline. Affected: yes.
Comment: A variant of uncertain significance has been identified in the KCNJ10 gene. The R134H variant has not been published as a pathogenic variant, nor has it been reported as a benign variant to our knowledge. The R134H variant is not observed at a significant frequency in large population cohorts (Lek et al., 2016; 1000 Genomes Consortium et al., 2015; Exome Variant Server). This substitution occurs at a position that is conserved across species, and in silico analysis predicts this variant is probably damaging to the protein structure/function. However, the R134H variant is a conservative amino acid substitution, which is not likely to impact secondary protein structure as these residues share similar properties. Therefore, based on the currently available information, it is unclear whether this variant is a pathogenic variant or a rare benign variant.

Hong-Tao Li Lab, Institute of Brain Science and Brain-inspired Research, Shandong First Medical University & Shandong Academy of Medical Sciences China
Classification: Pathogenic for EAST syndrome. Review status: no assertion criteria provided. Collection method: research. Allele origin: germline. Inheritance: Autosomal recessive inheritance. Affected: yes. Observed: 1 variant allele, 1 homozygote. Not counted in ClinVar's aggregate classification.
Comment: Observed in affected individuals from a Pakistani neurodevelopmental-disorder research cohort of 263 individuals. Classification assigned using the ACMG/AMP framework. Population-frequency evidence: gnomAD AF 4.974e-05.

NM_002241.5(KCNJ10):c.401G>A (p.Arg134His)

Gene: KCNJ10 (potassium inwardly rectifying channel subfamily J member 10; minus strand). Cytogenetic location: 1q23.2.
Variant type: single nucleotide variant.
Coding change: c.401G>A on transcript NM_002241.5 (MANE Select); coding-DNA position 401, G replaced by A.
Protein change: p.Arg134His; replaces arginine 134 with histidine.
Molecular consequence: missense variant.
Genome position (GRCh38, 1-based): chr1:160,042,132, C>T on the plus strand (G>A on the coding strand, the complement: KCNJ10 is on the minus strand). VCF-style: chr1-160042132-C-T. GRCh37 (hg19) VCF-style: chr1-160011922-C-T.
Other names: short protein forms R134H.
Identifiers: ClinVar variation 391946 (VCV000391946.12), dbSNP rs368857205, ClinGen allele CA1193249.
Genomic context (GRCh38, chr1:160,042,132, plus strand): 5'-GTGAGCACCAGCTGGGCAATAAGAAGCACAATGGCCAGTGGACATTCCTCACTGATGTAG[C>T]GGAAGCCATAGCCAATGGTGGTTTGGGATTCAAGGGAGAAGAGGAAGGCTCCAGTGAGTG-3'
Protein context (NP_002232.2, residues 124-144): ESQTTIGYGF[Arg134His]YISEECPLAI